The following is an entry in ClinVar:

ClinVar aggregate classification (germline): Uncertain significance (1 of 4 stars; one submission).

Conditions:
Cardiovascular phenotype. Identifiers: MedGen CN230736.

Allele frequency attached by ClinVar (database versions not stated): ExAC 0.00001.
gnomAD v4.1: 13 of 1,612,876 alleles (0.00081%); highest among the groups gnomAD compares: Non-Finnish European, 0.0011%; no homozygotes.

Submission:

Ambry Genetics
Classification: Uncertain significance for Cardiovascular phenotype. Last evaluated: 2025-06-01. Review status: criteria provided, single submitter. Criteria: Ambry Variant Classification Scheme 2023. Collection method: clinical testing. Allele origin: germline.
Comment: The p.P789R variant (also known as c.2366C>G), located in coding exon 16 of the GAA gene, results from a C to G substitution at nucleotide position 2366. The proline at codon 789 is replaced by arginine, an amino acid with dissimilar properties. This amino acid position is conserved. In addition, this alteration is predicted to be tolerated by in silico analysis. Since supporting evidence is limited at this time, the clinical significance of this alteration remains unclear.

NM_000152.5(GAA):c.2366C>G (p.Pro789Arg)

Gene: GAA (alpha glucosidase; plus strand). Cytogenetic location: 17q25.3.
Variant type: single nucleotide variant.
Coding change: c.2366C>G on transcript NM_000152.5 (MANE Select); coding-DNA position 2366, C replaced by G.
Protein change: p.Pro789Arg; replaces proline 789 with arginine.
Molecular consequence: missense variant.
Genome position (GRCh38, 1-based): chr17:80,117,634, C>G. VCF-style: chr17-80117634-C-G. GRCh37 (hg19) VCF-style: chr17-78091433-C-G.
Other names: c.2366C>G, p.Pro789Arg (NM_001079803.3, NM_001079804.3, NM_001406741.1 and 1 more transcripts); short protein forms P789R.
Identifiers: ClinVar variation 1790216 (VCV001790216.3), dbSNP rs773629231, ClinGen allele CA8815719.
Genomic context (GRCh38, chr17:80,117,634, plus strand): 5'-ATCCTCAAAGCAACATCTCCCTCCAGGTGCCAGTAGAGGCCCTTGGCAGCCTCCCACCCC[C>G]ACCTGCAGCTCCCCGTGAGCCAGCCATCCACAGCGAGGGGCAGTGGGTGACGCTGCCGGC-3'
Protein context (NP_000143.2, residues 779-799): PVEALGSLPP[Pro789Arg]PAAPREPAIH